The following is an entry in ClinVar:

ClinVar aggregate classification (germline): Uncertain significance (1 of 4 stars; one submission).

Submission:

Labcorp Genetics (formerly Invitae), Labcorp
Classification: Uncertain significance. Last evaluated: 2022-07-19. Review status: criteria provided, single submitter. Criteria: Invitae Variant Classification Sherloc (09022015). Collection method: clinical testing. Allele origin: germline.
Comment: This variant, c.1334_1336del, results in the deletion of 1 amino acid(s) of the C8A protein (p.Ser445del), but otherwise preserves the integrity of the reading frame. This variant is present in population databases (no rsID available, gnomAD 0.003%). Experimental studies and prediction algorithms are not available or were not evaluated, and the functional significance of this variant is currently unknown. In summary, the available evidence is currently insufficient to determine the role of this variant in disease. Therefore, it has been classified as a Variant of Uncertain Significance. This variant has not been reported in the literature in individuals affected with C8A-related conditions. ClinVar contains an entry for this variant (Variation ID: 1441562).

NM_000562.3(C8A):c.1334_1336del (p.Ser445del)

Gene: C8A (complement C8 alpha chain; plus strand). Cytogenetic location: 1p32.2.
Variant type: Deletion.
Coding change: c.1334_1336del on transcript NM_000562.3 (MANE Select); coding-DNA positions 1334 to 1336, 3 bases deleted (CCT; older notation c.1334_1336delCCT).
Protein change: p.Ser445del; deletes serine 445.
Molecular consequence: inframe deletion.
Genome position (GRCh38, 1-based): chr1:56,908,067-56,908,069, CCT deleted; deleting any 3 consecutive bases within chr1:56,908,066-56,908,069 gives the same sequence; the c. name uses the placement nearest the transcript's 3' end. VCF-style (leftmost placement, unchanged base first): chr1-56908065-TTCC-T. GRCh37 (hg19) VCF-style: chr1-57373738-TTCC-T.
Other names: short protein forms S445del.
Identifiers: ClinVar variation 1441562 (VCV001441562.8), dbSNP rs1386656012, ClinGen allele CA523275994.